The following is an entry in ClinVar:

NM_001367624.2(ZNF469):c.2986C>A (p.Arg996Ser)

Gene: ZNF469 (zinc finger protein 469; plus strand). Cytogenetic location: 16q24.2.
Variant type: single nucleotide variant.
Coding change: c.2986C>A on transcript NM_001367624.2 (MANE Select); coding-DNA position 2986, C replaced by A.
Protein change: p.Arg996Ser; replaces arginine 996 with serine.
Molecular consequence: missense variant.
Genome position (GRCh38, 1-based): chr16:88,430,456, C>A. VCF-style: chr16-88430456-C-A. GRCh37 (hg19) VCF-style: chr16-88496864-C-A.
Other names: short protein forms R996S.
Identifiers: ClinVar variation 320901 (VCV000320901.6), dbSNP rs886052400, ClinGen allele CA10649169.
Genomic context (GRCh38, chr16:88,430,456, plus strand): 5'-TCCGGCCTGAGGCCCCGGAGGAACGACGGTCTCGGGGAGCGGCCCCCACCCCGTCCCCGG[C>A]GCCCTAGAACGCAGGCCCCCGGGAGCCGCGCAGACCCCGCGCCCCGGGTCCCGAGAGCCG-3'
Protein context (NP_001354553.1, residues 986-1006): LGERPPPRPR[Arg996Ser]PRTQAPGSRA

ClinVar aggregate classification (germline): Uncertain significance (1 of 4 stars; one submission).

Allele frequency attached by ClinVar (database versions not stated): TOPMed 0.00001.
gnomAD v4.1: 1 of 1,477,688 alleles (0.000068%); no homozygotes.

Submission:

Labcorp Genetics (formerly Invitae), Labcorp
Classification: Uncertain significance. Last evaluated: 2022-05-08. Review status: criteria provided, single submitter. Criteria: Invitae Variant Classification Sherloc (09022015). Collection method: clinical testing. Allele origin: germline.
Comment: This sequence change replaces arginine, which is basic and polar, with serine, which is neutral and polar, at codon 996 of the ZNF469 protein (p.Arg996Ser). The frequency data for this variant in the population databases is considered unreliable, as metrics indicate poor data quality at this position in the gnomAD database. This variant has not been reported in the literature in individuals affected with ZNF469-related conditions. ClinVar contains an entry for this variant (Variation ID: 320901). Algorithms developed to predict the effect of missense changes on protein structure and function (SIFT, PolyPhen-2, Align-GVGD) all suggest that this variant is likely to be tolerated. In summary, the available evidence is currently insufficient to determine the role of this variant in disease. Therefore, it has been classified as a Variant of Uncertain Significance.